The following is an entry in ClinVar:

ClinVar aggregate classification (germline): Uncertain significance (1 of 4 stars; one submission).

Submission:

Ambry Genetics
Classification: Uncertain significance. Last evaluated: 2024-12-20. Review status: criteria provided, single submitter. Criteria: Ambry Variant Classification Scheme 2023. Collection method: clinical testing. Allele origin: germline.
Comment: The p.R299H variant (also known as c.896G>A), located in coding exon 3 of the WNK2 gene, results from a G to A substitution at nucleotide position 896. The arginine at codon 299 is replaced by histidine, an amino acid with highly similar properties. This amino acid position is conserved. In addition, the in silico prediction for this alteration is inconclusive. Based on the available evidence, the clinical significance of this variant remains unclear.

NM_006648.4(WNK2):c.896G>A (p.Arg299His)

Gene: WNK2 (WNK lysine deficient protein kinase 2; plus strand). Cytogenetic location: 9q22.31.
Variant type: single nucleotide variant.
Coding change: c.896G>A on transcript NM_006648.4 (MANE Select); coding-DNA position 896, G replaced by A.
Protein change: p.Arg299His; replaces arginine 299 with histidine.
Molecular consequence: missense variant.
Genome position (GRCh38, 1-based): chr9:93,230,929, G>A. VCF-style: chr9-93230929-G-A. GRCh37 (hg19) VCF-style: chr9-95993211-G-A.
Other names: c.896G>A, p.Arg299His (NM_001282394.3); short protein forms R299H.
Identifiers: ClinVar variation 3816559 (VCV003816559.1).
Genomic context (GRCh38, chr9:93,230,929, plus strand): 5'-TGCCCGTGAACCCCTGCAGATACCTGAAGCGGTTCAAGGTGATGAAGCCCAAGGTTCTCC[G>A]CAGCTGGTGCCGGCAGATCCTGAAGGGCCTGCTGTTCCTGCACACAAGGACGCCACCCAT-3'
Protein context (NP_006639.3, residues 289-309): RFKVMKPKVL[Arg299His]SWCRQILKGL